The following is an entry in ClinVar:

NM_033305.3(VPS13A):c.9274C>T (p.Arg3092Cys)

Gene: VPS13A (vacuolar protein sorting 13 homolog A; plus strand). Cytogenetic location: 9q21.2.
Variant type: single nucleotide variant.
Coding change: c.9274C>T on transcript NM_033305.3 (MANE Select); coding-DNA position 9274, C replaced by T.
Protein change: p.Arg3092Cys; replaces arginine 3092 with cysteine.
Molecular consequence: missense variant.
Genome position (GRCh38, 1-based): chr9:77,403,320, C>T. VCF-style: chr9-77403320-C-T. GRCh37 (hg19) VCF-style: chr9-80018236-C-T.
Other names: c.9157C>T, p.Arg3053Cys (NM_001018037.2); short protein forms R3053C, R3092C.
Identifiers: ClinVar variation 695931 (VCV000695931.20), dbSNP rs146574121, ClinGen allele CA5093983.

ClinVar aggregate classification (germline): Conflicting classifications of pathogenicity. Review status: criteria provided, conflicting classifications (1 of 4 stars). 6 submissions from 6 submitters: Uncertain significance (2); Likely benign (3). 1 of the submissions does not count toward it. Last evaluated 2026-01-31.

Conditions:
VPS13A-related disorder. Also called: VPS13A-related condition.
Inborn genetic diseases. Identifiers: MedGen C0950123, MeSH D030342.
VPS13A-related neurodegenerative disease. Also called: Choreaacanthocytosis; Choreoacanthocytosis; Chorea-acanthocytosis; LEVINE-CRITCHLEY SYNDROME; VPS13A Disease; ACANTHOCYTOSIS WITH NEUROLOGIC DISORDER. Identifiers: Orphanet 2388, MedGen C0393576, MONDO:0008695, OMIM 200150.

Allele frequency attached by ClinVar (database versions not stated): 1000 Genomes Project 30x 0.00031; 1000 Genomes Project 0.00040; gnomAD 0.00053 and 0.00057; TOPMed 0.00100; ESP Exome Variant Server 0.00138.
gnomAD v4.1: 203 of 1,608,920 alleles (0.013%); highest among the groups gnomAD compares: African/African-American, 0.2%; no homozygotes.

Submissions (6):

Labcorp Genetics (formerly Invitae), Labcorp
Classification: Likely benign. Last evaluated: 2026-01-31. Review status: criteria provided, single submitter. Criteria: Invitae Variant Classification Sherloc (09022015). Collection method: clinical testing. Allele origin: germline.

GeneDx
Classification: Uncertain significance. Last evaluated: 2025-06-13. Review status: criteria provided, single submitter. Criteria: GeneDx Variant Classification Process June 2021. Collection method: clinical testing. Allele origin: germline. Affected: yes.
Comment: In silico analysis supports that this missense variant has a deleterious effect on protein structure/function; Has not been previously published as pathogenic or benign to our knowledge

PreventionGenetics, part of Exact Sciences
Classification: Likely benign for VPS13A-related condition. Last evaluated: 2025-04-17. Review status: criteria provided, single submitter. Criteria: ACMG Guidelines, 2015. Collection method: clinical testing. Allele origin: germline.
Comment: This variant is classified as likely benign based on ACMG/AMP sequence variant interpretation guidelines (Richards et al. 2015 PMID: 25741868, with internal and published modifications).

ARUP Laboratories, Molecular Genetics and Genomics, ARUP Laboratories
Classification: Likely benign for VPS13A-related neurodegenerative disease. Last evaluated: 2024-09-17. Review status: criteria provided, single submitter. Criteria: ARUP Molecular Germline Variant Investigation Process 2024. Collection method: clinical testing. Allele origin: germline.

Ambry Genetics
Classification: Uncertain significance for Inborn genetic diseases. Last evaluated: 2022-12-01. Review status: criteria provided, single submitter. Criteria: Ambry Variant Classification Scheme 2023. Collection method: clinical testing. Allele origin: germline.

Natera, Inc.
Classification: Likely benign for Choreaacanthocytosis. Last evaluated: 2020-04-11. Review status: no assertion criteria provided. Collection method: clinical testing. Allele origin: germline. Not counted in ClinVar's aggregate classification.